The following is an entry in ClinVar:

NM_014241.4(HACD1):c.599G>A (p.Trp200Ter)

Gene: HACD1 (3-hydroxyacyl-CoA dehydratase 1; minus strand). Cytogenetic location: 10p12.33.
Variant type: single nucleotide variant.
Coding change: c.599G>A on transcript NM_014241.4 (MANE Select); coding-DNA position 599, G replaced by A.
Protein change: p.Trp200Ter; replaces tryptophan 200 with a stop codon.
Molecular consequence: nonsense.
Genome position (GRCh38, 1-based): chr10:17,599,296, C>T on the plus strand (G>A on the coding strand, the complement: HACD1 is on the minus strand). VCF-style: chr10-17599296-C-T. GRCh37 (hg19) VCF-style: chr10-17641295-C-T.
Other names: short protein forms W200*.
Identifiers: ClinVar variation 1929981 (VCV001929981.5), dbSNP rs2493859114, ClinGen allele CA376194157.

ClinVar aggregate classification (germline): Pathogenic (1 of 4 stars; one submission).

Allele frequency attached by ClinVar (database versions not stated): gnomAD exomes below 0.00001.
gnomAD v4.1: 5 of 1,613,846 alleles (0.00031%); highest among the groups gnomAD compares: Non-Finnish European, 0.00042%; no homozygotes.

Submission:

Labcorp Genetics (formerly Invitae), Labcorp
Classification: Pathogenic. Last evaluated: 2024-05-23. Review status: criteria provided, single submitter. Criteria: Invitae Variant Classification Sherloc (09022015). Collection method: clinical testing. Allele origin: germline.
Comment: This sequence change creates a premature translational stop signal (p.Trp200*) in the HACD1 gene. It is expected to result in an absent or disrupted protein product. Loss-of-function variants in HACD1 are known to be pathogenic (PMID: 23933735). This variant is not present in population databases (gnomAD no frequency). This variant has not been reported in the literature in individuals affected with HACD1-related conditions. ClinVar contains an entry for this variant (Variation ID: 1929981). For these reasons, this variant has been classified as Pathogenic.

Literature cited by the submitters: PubMed 23933735.